The following is an entry in ClinVar:

NM_182493.3(MYLK3):c.943C>G (p.Pro315Ala)

Gene: MYLK3 (myosin light chain kinase 3; minus strand). Cytogenetic location: 16q11.2.
Variant type: single nucleotide variant.
Coding change: c.943C>G on transcript NM_182493.3 (MANE Select); coding-DNA position 943, C replaced by G.
Protein change: p.Pro315Ala; replaces proline 315 with alanine.
Molecular consequence: missense variant. On other transcripts: intron variant (1).
Genome position (GRCh38, 1-based): chr16:46,737,769, G>C on the plus strand (C>G on the coding strand, the complement: MYLK3 is on the minus strand). VCF-style: chr16-46737769-G-C. GRCh37 (hg19) VCF-style: chr16-46771681-G-C.
Other names: c.-23+2288C>G (NM_001308301.1); short protein forms P315A.
Identifiers: ClinVar variation 4797281 (VCV004797281.1).

ClinVar aggregate classification (germline): Uncertain significance (1 of 4 stars; one submission).

Submission:

Labcorp Genetics (formerly Invitae), Labcorp
Classification: Uncertain significance. Last evaluated: 2025-07-08. Review status: criteria provided, single submitter. Criteria: Invitae Variant Classification Sherloc (09022015). Collection method: clinical testing. Allele origin: germline.
Comment: This sequence change replaces proline, which is neutral and non-polar, with alanine, which is neutral and non-polar, at codon 315 of the MYLK3 protein (p.Pro315Ala). This variant is not present in population databases (gnomAD no frequency). This variant has not been reported in the literature in individuals affected with MYLK3-related conditions. An algorithm developed to predict the effect of missense changes on protein structure and function (PolyPhen-2) suggests that this variant is likely to be tolerated. In summary, the available evidence is currently insufficient to determine the role of this variant in disease. Therefore, it has been classified as a Variant of Uncertain Significance.